The following is an entry in ClinVar:

ClinVar aggregate classification (germline): Benign (1 of 4 stars; one submission).

Allele frequency attached by ClinVar (database versions not stated): 1000 Genomes Project 0.00120; TOPMed 0.00124.
gnomAD v4.1: 523 of 332,588 alleles (0.16%); highest among the groups gnomAD compares: Non-Finnish European, 0.24%; 2 homozygotes.

Submission:

CeGaT Center for Human Genetics Tuebingen
Classification: Benign. Last evaluated: 2026-08-01. Review status: criteria provided, single submitter. Criteria: CeGaT Center For Human Genetics Tuebingen Variant Classification Criteria Version 2. Collection method: clinical testing. Allele origin: germline. Affected: yes. Observed: 7 variant alleles.
Comment: KCNQ1OT1: BS1, BS2

NM_000218.3(KCNQ1):c.1514+37472C>G

Genes: KCNQ1 (potassium voltage-gated channel subfamily Q member 1; plus strand), KCNQ1OT1 (KCNQ1 opposite strand/antisense transcript 1; minus strand). Cytogenetic location: 11p15.5.
Variant type: single nucleotide variant.
Coding change: c.1514+37472C>G on transcript NM_000218.3 (MANE Select); 37472 bases into the intron after coding-DNA position 1514, C replaced by G.
Molecular consequence: intron variant.
Genome position (GRCh38, 1-based): chr11:2,699,553, C>G. VCF-style: chr11-2699553-C-G. GRCh37 (hg19) VCF-style: chr11-2720783-C-G.
Other names: c.1244+37472C>G (NM_001406837.1); c.1418+37472C>G (NM_001406836.1); c.974+37472C>G (NM_001406838.1); c.1133+37472C>G (NM_181798.2).
Identifiers: ClinVar variation 1879196 (VCV001879196.29), dbSNP rs191701792, ClinGen allele CA216198427.